The following is an entry in ClinVar:

ClinVar aggregate classification (germline): Uncertain significance. Review status: criteria provided, multiple submitters, no conflicts (2 of 4 stars). 4 submissions from 4 submitters: Uncertain significance (2). 2 of the submissions do not count toward it. Last evaluated 2026-07-06.

Conditions:
Hereditary cancer-predisposing syndrome. Also called: Neoplastic Syndromes, Hereditary; Hereditary neoplastic syndrome; Hereditary Cancer Syndrome; Tumor predisposition. Identifiers: Orphanet 140162, MedGen C0027672, MeSH D009386, MONDO:0015356.
Retinal dystrophy. Also called: Inherited retinal dystrophy. Identifiers: Orphanet 71862, MedGen C0854723, MeSH D058499, MONDO:0019118, HP:0000556.
Retinoblastoma (RB1). Also called: RETINOBLASTOMA, SOMATIC. Identifiers: Orphanet 790, MedGen C0035335, MeSH D012175, MONDO:0008380, OMIM 180200, HP:0009919. Disease mechanism: loss of function. Inheritance: Both sporadic and heritable forms are tested..

Allele frequency attached by ClinVar (database versions not stated): ExAC 0.00001; gnomAD exomes below 0.00001 and 0.00001.
gnomAD v4.1: 2 of 1,613,500 alleles (0.00012%); highest among the groups gnomAD compares: South Asian, 0.0022%; no homozygotes.

Submissions (4):

Ambry Genetics
Classification: Uncertain significance for Hereditary cancer-predisposing syndrome. Last evaluated: 2026-07-06. Review status: criteria provided, single submitter. Criteria: Ambry Variant Classification Scheme 2023. Collection method: clinical testing. Allele origin: germline.
Comment: The p.S773F variant (also known as c.2318C>T), located in coding exon 22 of the RB1 gene, results from a C to T substitution at nucleotide position 2318. The serine at codon 773 is replaced by phenylalanine, an amino acid with highly dissimilar properties. This amino acid position is highly conserved in available vertebrate species. In addition, this alteration is predicted to be deleterious by in silico analysis. Based on data from gnomAD, the frequency for this variant is above the maximum credible frequency for a disease-causing variant in this gene based on internally established thresholds (Karczewski et al. Nature. 2020 May;581(7809):434-443; Whiffin et al. Genet Med. 2017 10;19:1151-1158). Based on the available evidence, the clinical significance of this variant remains unclear.

Labcorp Genetics (formerly Invitae), Labcorp
Classification: Uncertain significance for Retinoblastoma. Last evaluated: 2025-11-09. Review status: criteria provided, single submitter. Criteria: Invitae Variant Classification Sherloc (09022015). Collection method: clinical testing. Allele origin: germline.
Comment: This sequence change replaces serine, which is neutral and polar, with phenylalanine, which is neutral and non-polar, at codon 773 of the RB1 protein (p.Ser773Phe). This variant is present in population databases (rs267603841, gnomAD 0.006%). This variant has not been reported in the literature in individuals affected with RB1-related conditions. ClinVar contains an entry for this variant (Variation ID: 79393). Invitae Evidence Modeling of protein sequence and biophysical properties (such as structural, functional, and spatial information, amino acid conservation, physicochemical variation, residue mobility, and thermodynamic stability) indicates that this missense variant is expected to disrupt RB1 protein function with a positive predictive value of 80%. In summary, the available evidence is currently insufficient to determine the role of this variant in disease. Therefore, it has been classified as a Variant of Uncertain Significance.

Institute of Human Genetics, Univ. Regensburg, Univ. Regensburg
Classification: Uncertain significance for Retinal dystrophy. Last evaluated: 2022-01-01. Review status: no assertion criteria provided. Criteria: ACMG Guidelines, 2015. Collection method: clinical testing. Allele origin: germline. Affected: yes. Not counted in ClinVar's aggregate classification.

ITMI
No classification provided. Condition: AllHighlyPenetrant. Last evaluated: 2013-09-19. Review status: no classification provided. Collection method: reference population. Allele origin: germline. Not counted in ClinVar's aggregate classification.
Comment: Please see associated publication for description of ethnicities

Literature cited by the submitters: PubMed 24728327 (cited by ITMI).

NM_000321.3(RB1):c.2318C>T (p.Ser773Phe)

Gene: RB1 (RB transcriptional corepressor 1; plus strand). Cytogenetic location: 13q14.2.
Variant type: single nucleotide variant.
Coding change: c.2318C>T on transcript NM_000321.3 (MANE Select); coding-DNA position 2318, C replaced by T.
Protein change: p.Ser773Phe; replaces serine 773 with phenylalanine.
Molecular consequence: missense variant.
Genome position (GRCh38, 1-based): chr13:48,465,104, C>T. VCF-style: chr13-48465104-C-T. GRCh37 (hg19) VCF-style: chr13-49039240-C-T.
Other names: short protein forms S773F.
Identifiers: ClinVar variation 79393 (VCV000079393.6), dbSNP rs267603841, ClinGen allele CA026437.